The following is an entry in ClinVar:

ClinVar aggregate classification (germline): Uncertain significance (1 of 4 stars; one submission).

Conditions:
Spermatogenic failure 18. Identifiers: MedGen C4539783, MONDO:0054615, OMIM 617576.
Ciliary dyskinesia, primary, 37 (CILD37). Also called: CILIARY DYSKINESIA, PRIMARY, 37, WITH OR WITHOUT SITUS INVERSUS. Identifiers: MedGen C4539798, MONDO:0033204, OMIM 617577.

Submission:

Labcorp Genetics (formerly Invitae), Labcorp
Classification: Uncertain significance for Ciliary dyskinesia, primary, 37; Spermatogenic failure 18. Last evaluated: 2021-11-08. Review status: criteria provided, single submitter. Criteria: Invitae Variant Classification Sherloc (09022015). Collection method: clinical testing. Allele origin: germline.
Comment: This sequence change replaces glycine, which is neutral and non-polar, with serine, which is neutral and polar, at codon 2990 of the DNAH1 protein (p.Gly2990Ser). This variant is not present in population databases (gnomAD no frequency). This variant has not been reported in the literature in individuals affected with DNAH1-related conditions. Algorithms developed to predict the effect of missense changes on protein structure and function are either unavailable or do not agree on the potential impact of this missense change (SIFT: "Deleterious"; PolyPhen-2: "Benign"; Align-GVGD: "Class C0"). In summary, the available evidence is currently insufficient to determine the role of this variant in disease. Therefore, it has been classified as a Variant of Uncertain Significance.

NM_015512.5(DNAH1):c.8968G>A (p.Gly2990Ser)

Gene: DNAH1 (dynein axonemal heavy chain 1; plus strand). Cytogenetic location: 3p21.1.
Variant type: single nucleotide variant.
Coding change: c.8968G>A on transcript NM_015512.5 (MANE Select); coding-DNA position 8968, G replaced by A.
Protein change: p.Gly2990Ser; replaces glycine 2990 with serine.
Molecular consequence: missense variant.
Genome position (GRCh38, 1-based): chr3:52,386,818, G>A. VCF-style: chr3-52386818-G-A. GRCh37 (hg19) VCF-style: chr3-52420834-G-A.
Other names: short protein forms G2990S.
Identifiers: ClinVar variation 1465084 (VCV001465084.6), dbSNP rs2153225369, ClinGen allele CA353192844.